The following is an entry in ClinVar:

NM_183357.3(ADCY5):c.366G>C (p.Ala122=)

Gene: ADCY5 (adenylate cyclase 5; minus strand). Cytogenetic location: 3q21.1.
Variant type: single nucleotide variant.
Coding change: c.366G>C on transcript NM_183357.3 (MANE Select); coding-DNA position 366, G replaced by C.
Protein change: p.Ala122=; no amino-acid change (alanine 122 retained).
Molecular consequence: synonymous variant.
Genome position (GRCh38, 1-based): chr3:123,448,180, C>G on the plus strand (G>C on the coding strand, the complement: ADCY5 is on the minus strand). VCF-style: chr3-123448180-C-G. GRCh37 (hg19) VCF-style: chr3-123167027-C-G.
Other names: c.366G>C, p.Ala122= (NM_001378259.1).
Identifiers: ClinVar variation 3257154 (VCV003257154.17).

ClinVar aggregate classification (germline): Likely benign (1 of 4 stars; one submission).

gnomAD v4.1: 1 of 1,193,038 alleles (0.000084%); highest among the groups gnomAD compares: Non-Finnish European, 0.0001%; no homozygotes.

Submission:

CeGaT Center for Human Genetics Tuebingen
Classification: Likely benign. Last evaluated: 2026-08-01. Review status: criteria provided, single submitter. Criteria: CeGaT Center For Human Genetics Tuebingen Variant Classification Criteria Version 2. Collection method: clinical testing. Allele origin: germline. Affected: yes. Observed: 2 variant alleles.
Comment: ADCY5: BP4, BP7